The following is an entry in ClinVar:

ClinVar aggregate classification (germline): Uncertain significance. Review status: criteria provided, multiple submitters, no conflicts (2 of 4 stars). 2 submissions from 2 submitters: Uncertain significance (2). Last evaluated 2023-10-13.

Conditions:
Autosomal dominant hypocalcemia 1 (HYPOC1). Also called: HYPOCALCEMIA, FAMILIAL. Identifiers: MedGen C3715128, MONDO:0011013, OMIM 601198.
Familial hypocalciuric hypercalcemia (FHH). Also called: Familial benign hypercalcemia. Identifiers: Orphanet 405, MedGen C1809471, MONDO:0018458.
Nephrolithiasis/nephrocalcinosis. Identifiers: MedGen CN580796.

Submissions (2):

Labcorp Genetics (formerly Invitae), Labcorp
Classification: Uncertain significance for Familial hypocalciuric hypercalcemia; Autosomal dominant hypocalcemia 1. Last evaluated: 2023-10-13. Review status: criteria provided, single submitter. Criteria: Invitae Variant Classification Sherloc (09022015). Collection method: clinical testing. Allele origin: germline.
Comment: This sequence change replaces phenylalanine, which is neutral and non-polar, with serine, which is neutral and polar, at codon 160 of the CASR protein (p.Phe160Ser). This variant is not present in population databases (gnomAD no frequency). This variant has not been reported in the literature in individuals affected with CASR-related conditions. ClinVar contains an entry for this variant (Variation ID: 951047). An algorithm developed to predict the effect of missense changes on protein structure and function (PolyPhen-2) suggests that this variant is likely to be disruptive. In summary, the available evidence is currently insufficient to determine the role of this variant in disease. Therefore, it has been classified as a Variant of Uncertain Significance.

Ambry Genetics
Classification: Uncertain significance for Nephrolithiasis/nephrocalcinosis. Last evaluated: 2021-12-30. Review status: criteria provided, single submitter. Criteria: Ambry Variant Classification Scheme 2023. Collection method: clinical testing. Allele origin: germline.
Comment: The p.F160S variant (also known as c.479T>C), located in coding exon 2 of the CASR gene, results from a T to C substitution at nucleotide position 479. The phenylalanine at codon 160 is replaced by serine, an amino acid with highly dissimilar properties. This amino acid position is conserved. In addition, this alteration is predicted to be deleterious by in silico analysis. Since supporting evidence is limited at this time, the clinical significance of this alteration remains unclear.

NM_000388.4(CASR):c.479T>C (p.Phe160Ser)

Gene: CASR (calcium sensing receptor; plus strand). Cytogenetic location: 3q21.1.
Variant type: single nucleotide variant.
Coding change: c.479T>C on transcript NM_000388.4 (MANE Select); coding-DNA position 479, T replaced by C.
Protein change: p.Phe160Ser; replaces phenylalanine 160 with serine.
Molecular consequence: missense variant.
Genome position (GRCh38, 1-based): chr3:122,257,374, T>C. VCF-style: chr3-122257374-T-C. GRCh37 (hg19) VCF-style: chr3-121976221-T-C.
Other names: c.479T>C, p.Phe160Ser (NM_001178065.2); short protein forms F160S.
Identifiers: ClinVar variation 951047 (VCV000951047.10), dbSNP rs2074566896, ClinGen allele CA354362975.